The following is an entry in ClinVar:

NM_005026.5(PIK3CD):c.2530A>T (p.Met844Leu)

Gene: PIK3CD (phosphatidylinositol-4,5-bisphosphate 3-kinase catalytic subunit delta; plus strand). Cytogenetic location: 1p36.22.
Variant type: single nucleotide variant.
Coding change: c.2530A>T on transcript NM_005026.5 (MANE Select); coding-DNA position 2530, A replaced by T.
Protein change: p.Met844Leu; replaces methionine 844 with leucine.
Molecular consequence: missense variant.
Genome position (GRCh38, 1-based): chr1:9,723,228, A>T. VCF-style: chr1-9723228-A-T. GRCh37 (hg19) VCF-style: chr1-9783286-A-T.
Other names: c.2527A>T, p.Met843Leu (NM_001350234.2); c.2443A>T, p.Met815Leu (NM_001350235.1); c.2530A>T (NM_005026.3); short protein forms M815L, M843L, M844L.
Identifiers: ClinVar variation 1016726 (VCV001016726.12), dbSNP rs200369205, ClinGen allele CA17782869.

ClinVar aggregate classification (germline): Uncertain significance. Review status: criteria provided, multiple submitters, no conflicts (2 of 4 stars). 4 submissions from 4 submitters: Uncertain significance (3). 1 of the submissions does not count toward it. Last evaluated 2025-12-22.

Conditions:
PIK3CD-related disorder. Also called: PIK3CD-related condition.
Inborn genetic diseases. Identifiers: MedGen C0950123, MeSH D030342.
Immunodeficiency 14 (IMD14A). Also called: ACTIVATED PI3K-DELTA SYNDROME 1; IMMUNODEFICIENCY 14A WITH LYMPHOPROLIFERATION, AUTOSOMAL DOMINANT; Activated PI3K Delta Syndrome Type 1 (APDS1); p110-DELTA-ACTIVATING MUTATION CAUSING SENESCENT T CELLS, LYMPHADENOPATHY, AND IMMUNODEFICIENCY. Identifiers: Orphanet 397596, Orphanet 693661, MedGen C5907821, MONDO:0014222, OMIM 615513.

Allele frequency attached by ClinVar (database versions not stated): gnomAD exomes below 0.00001 and 0.00001; gnomAD 0.00007 and 0.00009; TOPMed 0.00023.
gnomAD v4.1: 19 of 1,613,768 alleles (0.0012%); highest among the groups gnomAD compares: Admixed American, 0.027%; no homozygotes.

Submissions (4):

Labcorp Genetics (formerly Invitae), Labcorp
Classification: Uncertain significance for Activated PI3K-delta syndrome. Last evaluated: 2025-12-22. Review status: criteria provided, single submitter. Criteria: Invitae Variant Classification Sherloc (09022015). Collection method: clinical testing. Allele origin: germline.
Comment: This sequence change replaces methionine, which is neutral and non-polar, with leucine, which is neutral and non-polar, at codon 844 of the PIK3CD protein (p.Met844Leu). This variant is present in population databases (rs200369205, gnomAD 0.006%). This variant has not been reported in the literature in individuals affected with PIK3CD-related conditions. ClinVar contains an entry for this variant (Variation ID: 1016726). An algorithm developed to predict the effect of missense changes on protein structure and function (PolyPhen-2) suggests that this variant is likely to be tolerated. In summary, the available evidence is currently insufficient to determine the role of this variant in disease. Therefore, it has been classified as a Variant of Uncertain Significance.

Ambry Genetics
Classification: Uncertain significance for Inborn genetic diseases. Last evaluated: 2024-01-16. Review status: criteria provided, single submitter. Criteria: Ambry Variant Classification Scheme 2023. Collection method: clinical testing. Allele origin: germline.

PreventionGenetics, part of Exact Sciences
Classification: Uncertain significance for PIK3CD-related condition. Last evaluated: 2023-05-30. Review status: criteria provided, single submitter. Criteria: ACMG Guidelines, 2015. Collection method: clinical testing. Allele origin: germline.
Comment: The PIK3CD c.2530A>T variant is predicted to result in the amino acid substitution p.Met844Leu. To our knowledge, this variant has not been reported in the literature. This variant is reported in 0.0056% of alleles in individuals of Latino descent in gnomAD. At this time, the clinical significance of this variant is uncertain due to the absence of conclusive functional and genetic evidence.

Immunology Clinic, Ucla
Classification: Pathogenic for Immunodeficiency 14. Review status: no assertion criteria provided. Collection method: research. Allele origin: germline, not applicable. Affected: yes. Not counted in ClinVar's aggregate classification.

Literature cited by the submitters: PubMed 31031754 (cited by Immunology Clinic, Ucla).